The following is an entry in ClinVar:

NM_014244.5(ADAMTS2):c.3397C>T (p.Arg1133Trp)

Gene: ADAMTS2 (ADAM metallopeptidase with thrombospondin type 1 motif 2; minus strand). Cytogenetic location: 5q35.3.
Variant type: single nucleotide variant.
Coding change: c.3397C>T on transcript NM_014244.5 (MANE Select); coding-DNA position 3397, C replaced by T.
Protein change: p.Arg1133Trp; replaces arginine 1133 with tryptophan.
Molecular consequence: missense variant.
Genome position (GRCh38, 1-based): chr5:179,114,106, G>A on the plus strand (C>T on the coding strand, the complement: ADAMTS2 is on the minus strand). VCF-style: chr5-179114106-G-A. GRCh37 (hg19) VCF-style: chr5-178541107-G-A.
Other names: p.Arg1133Trp; short protein forms R1133W.
Identifiers: ClinVar variation 1314649 (VCV001314649.9), dbSNP rs545409845, ClinGen allele CA3595237.

ClinVar aggregate classification (germline): Uncertain significance. Review status: criteria provided, multiple submitters, no conflicts (2 of 4 stars). 3 submissions from 3 submitters: Uncertain significance (3). Last evaluated 2025-11-26.

Conditions:
Ehlers-Danlos syndrome, dermatosparaxis type. Also called: Dermatosparaxis; Ehlers-Danlos syndrome, type VII, autosomal recessive; EDS VIIC. Identifiers: Orphanet 1901, MedGen C2700425, MONDO:0009161, OMIM 225410.

Allele frequency attached by ClinVar (database versions not stated): TOPMed 0.00001; gnomAD 0.00003 and 0.00004; gnomAD exomes 0.00003 and 0.00006; ExAC 0.00007; 1000 Genomes Project 30x 0.00016; 1000 Genomes Project 0.00020.
gnomAD v4.1: 43 of 1,614,034 alleles (0.0027%); highest among the groups gnomAD compares: South Asian, 0.012%; no homozygotes.

Submissions (3):

GeneDx
Classification: Uncertain significance. Last evaluated: 2025-11-26. Review status: criteria provided, single submitter. Criteria: GeneDx Variant Classification Process June 2021. Collection method: clinical testing. Allele origin: germline. Affected: yes.
Comment: In silico analysis suggests that this missense variant does not alter protein structure/function; Has not been previously published as pathogenic or benign to our knowledge

Mayo Clinic Laboratories, Mayo Clinic
Classification: Uncertain significance. Last evaluated: 2025-01-10. Review status: criteria provided, single submitter. Criteria: ACMG Guidelines, 2015. Collection method: clinical testing. Allele origin: germline. Observed: 2 variant alleles.
Comment: BP4_moderate

Labcorp Genetics (formerly Invitae), Labcorp
Classification: Uncertain significance for Ehlers-Danlos syndrome, dermatosparaxis type. Last evaluated: 2021-09-24. Review status: criteria provided, single submitter. Criteria: Invitae Variant Classification Sherloc (09022015). Collection method: clinical testing. Allele origin: germline.
Comment: This sequence change replaces arginine with tryptophan at codon 1133 of the ADAMTS2 protein (p.Arg1133Trp). The arginine residue is weakly conserved and there is a moderate physicochemical difference between arginine and tryptophan. This variant is present in population databases (rs545409845, ExAC 0.01%). This variant has not been reported in the literature in individuals with ADAMTS2-related conditions. Algorithms developed to predict the effect of missense changes on protein structure and function are either unavailable or do not agree on the potential impact of this missense change (SIFT: "Deleterious"; PolyPhen-2: "Benign"; Align-GVGD: "Class C0"). In summary, the available evidence is currently insufficient to determine the role of this variant in disease. Therefore, it has been classified as a Variant of Uncertain Significance.